The following is an entry in ClinVar:

ClinVar aggregate classification (germline): Pathogenic. Review status: criteria provided, multiple submitters, no conflicts (2 of 4 stars). 12 submissions from 12 submitters: Pathogenic (8). 4 of the submissions do not count toward it. Last evaluated 2025-12-25.

Conditions:
PTS-related disorder. Also called: PTS-related condition.
6-Pyruvoyl-tetrahydrobiopterin synthase deficiency. Also called: BH4-deficient hyperphenylalaninemia A; PTS-Related Tetrahydrobiopterin Deficiency; PTS DEFICIENCY; Hyperphenylalanemia, BH4-deficient, A; Hyperphenylalaninemia due to 6-pyruvoyl-tetrahydropterin synthase deficiency; 6-Pyruvoyltetrahydropterin Synthase Deficiency. Identifiers: Orphanet 13, Orphanet 238583, MedGen C0878676, MONDO:0009863, OMIM 261640.

Allele frequency attached by ClinVar (database versions not stated): gnomAD 0.00001; gnomAD exomes 0.00002 and 0.00012; TOPMed 0.00003; ExAC 0.00015.
gnomAD v4.1: 27 of 1,612,244 alleles (0.0017%); highest among the groups gnomAD compares: East Asian, 0.04%; no homozygotes.

Submissions (12):

3billion
Classification: Pathogenic for 6-Pyruvoyl-tetrahydrobiopterin synthase deficiency. Last evaluated: 2025-12-25. Review status: criteria provided, single submitter. Criteria: ACMG Guidelines, 2015. Collection method: clinical testing. Allele origin: germline. Affected: yes.
Comment: The variant is observed at an extremely low frequency in the gnomAD v4.1.0 dataset (total allele frequency: 0.002%). Predicted Consequence/Location: Missense variant In silico tool predictions suggest damaging effect of the variant on gene or gene product [REVEL: 0.80 (>=0.6, sensitivity 0.68 and specificity 0.92); 3Cnet: 0.99 (> 0.75, sensitivity 0.96 and precision 0.92)]. The same nucleotide change resulting in the same amino acid change has been previously reported as pathogenic/likely pathogenic with strong evidence (ClinVar ID: VCV000000479 /PMID: 8707300 /3billion dataset). The variant has been observed in at least two similarly affected unrelated individuals (PMID: 11438997, 8707300). The variant has been reported to be in trans with a pathogenic variant as either compound heterozygous or homozygous in at least 2 similarly affected unrelated individuals (PMID: 11694255). Therefore, this variant is classified as Pathogenic according to the recommendation of ACMG/AMP guideline.

Labcorp Genetics (formerly Invitae), Labcorp
Classification: Pathogenic for 6-Pyruvoyl-tetrahydrobiopterin synthase deficiency. Last evaluated: 2025-12-08. Review status: criteria provided, single submitter. Criteria: Invitae Variant Classification Sherloc (09022015). Collection method: clinical testing. Allele origin: germline.
Comment: This sequence change replaces asparagine, which is neutral and polar, with serine, which is neutral and polar, at codon 52 of the PTS protein (p.Asn52Ser). This variant is present in population databases (rs104894275, gnomAD 0.1%). This missense change has been observed in individuals with PTS deficiency (PMID: 8707300, 9450907, 11438997, 17160954). It has also been observed to segregate with disease in related individuals. ClinVar contains an entry for this variant (Variation ID: 479). An algorithm developed to predict the effect of missense changes on protein structure and function (PolyPhen-2) suggests that this variant is likely to be disruptive. Experimental studies have shown that this missense change affects PTS function (PMID: 23138986). For these reasons, this variant has been classified as Pathogenic.

Natera, Inc.
Classification: Pathogenic for 6-Pyruvoyl-tetrahydrobiopterin synthase deficiency. Last evaluated: 2025-10-22. Review status: criteria provided, single submitter. Criteria: Natera Variant Classification Schema (03/2026). Collection method: clinical testing. Allele origin: germline.
Comment: The c.155A>G variant in PTS is a missense variant predicted to cause substitution of asparagine to serine at amino acid 52. The frequency of this variant in the general population is greater than expected for disorder. This variant has been observed in one or more individuals affected with the associated recessive disease, as either homozygous or compound heterozygous with a second variant (PMID: 9450907). Additionally, this variant has been observed to segregate in affected family members (PMID: 9450907). Computational prediction algorithms indicate this variant is likely to affect gene or protein function. Given the available evidence, this variant is classified as Pathogenic.

Fulgent Genetics
Classification: Pathogenic for 6-Pyruvoyl-tetrahydrobiopterin synthase deficiency. Last evaluated: 2024-02-16. Review status: criteria provided, single submitter. Criteria: ACMG Guidelines, 2015. Collection method: clinical testing. Allele origin: germline.

Laboratory of Medical Genetics, National & Kapodistrian University of Athens
Classification: Pathogenic for 6-Pyruvoyl-tetrahydrobiopterin synthase deficiency. Last evaluated: 2024-02-01. Review status: criteria provided, single submitter. Criteria: ACMG Guidelines, 2015. Collection method: curation. Allele origin: germline. Affected: no.

Blueprint Genetics
Classification: Pathogenic for PTS-related disorders. Last evaluated: 2024-01-29. Review status: criteria provided, single submitter. Criteria: ACMG Guidelines, 2015. Collection method: clinical testing. Allele origin: germline. Affected: yes. Observed: 3 variant alleles.

Revvity Omics, Revvity
Classification: Pathogenic for 6-Pyruvoyl-tetrahydrobiopterin synthase deficiency. Last evaluated: 2023-07-13. Review status: criteria provided, single submitter. Criteria: ACMG Guidelines, 2015. Collection method: clinical testing. Allele origin: germline.

GeneDx
Classification: Pathogenic. Last evaluated: 2022-04-29. Review status: criteria provided, single submitter. Criteria: GeneDx Variant Classification Process June 2021. Collection method: clinical testing. Allele origin: germline. Affected: yes.
Comment: In silico analysis supports that this missense variant has a deleterious effect on protein structure/function; This variant is associated with the following publications: (PMID: 17407085, 25304915, 25456745, 29961769, 19350512, 11438997, 20059486, 9450907, 8707300, 22237589, 11694255, 27246466, 30926181, 30275481, 31589614, 32651154, 33234470, 33822819, 23138986)

PreventionGenetics, part of Exact Sciences
Classification: Pathogenic for PTS-related condition. Last evaluated: 2023-11-20. Review status: no assertion criteria provided. Collection method: clinical testing. Allele origin: germline. Not counted in ClinVar's aggregate classification.
Comment: The PTS c.155A>G variant is predicted to result in the amino acid substitution p.Asn52Ser. This variant has been reported in the homozygous state or with a second PTS variant in patients with 6-pyruvoyltetrahydropterin syntase (PTPS) deficiency syndrome (for example, see Leuzzi et al. 2010. PubMed ID: 20059486; Almannai et al. 2019. PubMed ID: 30926181; Manzoni et al. 2020. PubMed ID: 33234470). This variant is one of the most commonly reported causative variants for PTPS deficiency in Asian populations (Liu and Hsiao 1996. PubMed ID: 8707300; Liu et al. 2001. PubMed ID: 11694255; Chiu et al. 2012. PubMed ID: 22237589). This variant is reported in 0.14% of alleles in individuals of East Asian descent in gnomAD. This variant is interpreted as pathogenic.

Counsyl
Classification: Pathogenic for 6-Pyruvoyl-tetrahydrobiopterin synthase deficiency. Last evaluated: 2019-01-29. Review status: no assertion criteria provided. Collection method: clinical testing. Allele origin: unknown. Not counted in ClinVar's aggregate classification.

SingHealth Duke-NUS Institute of Precision Medicine
Classification: Uncertain significance for 6-Pyruvoyl-tetrahydrobiopterin synthase deficiency. Last evaluated: 2017-06-07. Review status: no assertion criteria provided. Collection method: curation. Allele origin: germline. Affected: no. Not counted in ClinVar's aggregate classification.

OMIM
Classification: Pathogenic for HYPERPHENYLALANINEMIA, BH4-DEFICIENT, A. Last evaluated: 1998-01-01. Review status: no assertion criteria provided. Collection method: literature only. Allele origin: germline. Not counted in ClinVar's aggregate classification.

Literature cited by the submitters: PubMed 11694255 (cited by 3billion and Counsyl); PubMed 11438997 (cited by 3billion and Labcorp Genetics (formerly Invitae), Labcorp); PubMed 8707300 (cited by 3billion and Labcorp Genetics (formerly Invitae), Labcorp); PubMed 9450907 (cited by 3 submitters); PubMed 17160954 (cited by Labcorp Genetics (formerly Invitae), Labcorp); PubMed 23138986 (cited by Labcorp Genetics (formerly Invitae), Labcorp); PubMed 22237589 (cited by Counsyl); PubMed 20059486 (cited by Counsyl); PubMed 27246466 (cited by Counsyl).

NM_000317.3(PTS):c.155A>G (p.Asn52Ser)

Gene: PTS (6-pyruvoyltetrahydropterin synthase; plus strand). Cytogenetic location: 11q23.1.
Variant type: single nucleotide variant.
Coding change: c.155A>G on transcript NM_000317.3 (MANE Select); coding-DNA position 155, A replaced by G.
Protein change: p.Asn52Ser; replaces asparagine 52 with serine.
Molecular consequence: missense variant.
Genome position (GRCh38, 1-based): chr11:112,228,665, A>G. VCF-style: chr11-112228665-A-G. GRCh37 (hg19) VCF-style: chr11-112099388-A-G.
Other names: short protein forms N52S.
Identifiers: ClinVar variation 479 (VCV000000479.30), dbSNP rs104894275, ClinGen allele CA114318.